The following is an entry in ClinVar:

NM_018075.5(ANO10):c.732G>A (p.Val244=)

Gene: ANO10 (anoctamin 10; minus strand). Cytogenetic location: 3p22.1.
Variant type: single nucleotide variant.
Coding change: c.732G>A on transcript NM_018075.5 (MANE Select); coding-DNA position 732, G replaced by A.
Protein change: p.Val244=; no amino-acid change (valine 244 retained).
Molecular consequence: synonymous variant. On other transcripts: intron variant (1).
Genome position (GRCh38, 1-based): chr3:43,577,122, C>T on the plus strand (G>A on the coding strand, the complement: ANO10 is on the minus strand). VCF-style: chr3-43577122-C-T. GRCh37 (hg19) VCF-style: chr3-43618614-C-T.
Other names: c.732G>A, p.Val244= (NM_001204831.3, NM_001346463.2, NM_001346464.2 and 3 more transcripts); c.534G>A, p.Val178= (NM_001204832.3, NM_001346466.2, NM_001346469.2); c.399G>A, p.Val133= (NM_001204833.3); c.593-2258G>A (NM_001204834.3).
Identifiers: ClinVar variation 2653721 (VCV002653721.27), dbSNP rs369417903, ClinGen allele CA2340963.
Genomic context (GRCh38, chr3:43,577,122, plus strand): 5'-GCCACGCTTCCACAGTTCCAGAATCACCGTGGACCAGATGAGGTTGAACGAGGCAAAGAT[C>T]ACGTACTTGTCATAGTCTTCCCACACAAACAAGTAGTAAGGTAACCCAATGACAGCCATG-3'
Protein context (NP_060545.3, residues 234-254): LFVWEDYDKY[Val244=]IFASFNLIWS

ClinVar aggregate classification (germline): Likely benign. Review status: criteria provided, multiple submitters, no conflicts (2 of 4 stars). 2 submissions from 2 submitters: Likely benign (2). Last evaluated 2023-10-14.

Allele frequency attached by ClinVar (database versions not stated): ExAC 0.00001; gnomAD 0.00002; gnomAD exomes 0.00002; TOPMed 0.00002; ESP Exome Variant Server 0.00008.
gnomAD v4.1: 30 of 1,614,060 alleles (0.0019%); highest among the groups gnomAD compares: Non-Finnish European, 0.0025%; no homozygotes.

Submissions (2):

Labcorp Genetics (formerly Invitae), Labcorp
Classification: Likely benign. Last evaluated: 2023-10-14. Review status: criteria provided, single submitter. Criteria: Invitae Variant Classification Sherloc (09022015). Collection method: clinical testing. Allele origin: germline.

CeGaT Center for Human Genetics Tuebingen
Classification: Likely benign. Last evaluated: 2022-08-01. Review status: criteria provided, single submitter. Criteria: CeGaT Center For Human Genetics Tuebingen Variant Classification Criteria Version 2. Collection method: clinical testing. Allele origin: germline. Affected: yes. Observed: 1 variant allele.
Comment: ANO10: BP4, BP7